The following is an entry in ClinVar:

ClinVar aggregate classification (germline): Conflicting classifications of pathogenicity. Review status: criteria provided, conflicting classifications (1 of 4 stars). 2 submissions from 2 submitters: Uncertain significance (1); Likely benign (1). Last evaluated 2023-03-23.

Conditions:
Hereditary cancer-predisposing syndrome. Also called: Tumor predisposition; Hereditary neoplastic syndrome; Neoplastic Syndromes, Hereditary; Hereditary Cancer Syndrome. Identifiers: Orphanet 140162, MedGen C0027672, MeSH D009386, MONDO:0015356.
Hereditary breast ovarian cancer syndrome. Also called: Breast and ovarian cancer; BRCA1- and BRCA2-Associated Hereditary Breast and Ovarian Cancer; Hereditary breast and ovarian cancer; Hereditary breast and ovarian cancer syndrome (HBOC); Hereditary breast and/or ovarian cancer syndrome; Hereditary breast and ovarian cancer syndrome. Identifiers: Orphanet 145, MedGen C0677776, MeSH D061325, MONDO:0003582. Disease mechanism: loss of function.

Allele frequency attached by ClinVar (database versions not stated): TOPMed below 0.00001.

Submissions (2):

University of Washington Department of Laboratory Medicine, University of Washington
Classification: Likely benign for Hereditary cancer-predisposing syndrome. Last evaluated: 2023-03-23. Review status: criteria provided, single submitter. Criteria: Dines et al. (Genet Med. 2020). Collection method: curation. Allele origin: germline.
Comment: Missense variant in a coldspot region where missense variants are very unlikely to be pathogenic (PMID:31911673).

BRCA2 exon 10 coldspot. Reclassification based on statistical prior probability.

Labcorp Genetics (formerly Invitae), Labcorp
Classification: Uncertain significance for Hereditary breast ovarian cancer syndrome. Last evaluated: 2022-10-07. Review status: criteria provided, single submitter. Criteria: Invitae Variant Classification Sherloc (09022015). Collection method: clinical testing. Allele origin: germline.
Comment: ClinVar contains an entry for this variant (Variation ID: 858989). In summary, the available evidence is currently insufficient to determine the role of this variant in disease. Therefore, it has been classified as a Variant of Uncertain Significance. Advanced modeling of protein sequence and biophysical properties (such as structural, functional, and spatial information, amino acid conservation, physicochemical variation, residue mobility, and thermodynamic stability) performed at Invitae indicates that this missense variant is not expected to disrupt BRCA2 protein function. This variant has not been reported in the literature in individuals affected with BRCA2-related conditions. This variant is not present in population databases (gnomAD no frequency). This sequence change replaces valine, which is neutral and non-polar, with leucine, which is neutral and non-polar, at codon 323 of the BRCA2 protein (p.Val323Leu).

NM_000059.4(BRCA2):c.967G>T (p.Val323Leu)

Gene: BRCA2 (BRCA2 DNA repair associated; plus strand). Cytogenetic location: 13q13.1.
Variant type: single nucleotide variant.
Coding change: c.967G>T on transcript NM_000059.4 (MANE Select); coding-DNA position 967, G replaced by T.
Protein change: p.Val323Leu; replaces valine 323 with leucine.
Molecular consequence: missense variant.
Genome position (GRCh38, 1-based): chr13:32,332,445, G>T. VCF-style: chr13-32332445-G-T. GRCh37 (hg19) VCF-style: chr13-32906582-G-T.
Other names: short protein forms V323L.
Identifiers: ClinVar variation 858989 (VCV000858989.15), dbSNP rs1566222487, ClinGen allele CA387760907.